The following is an entry in ClinVar:

NM_182961.4(SYNE1):c.19022G>C (p.Gly6341Ala)

Gene: SYNE1 (spectrin repeat containing nuclear envelope protein 1; minus strand). Cytogenetic location: 6q25.2.
Variant type: single nucleotide variant.
Coding change: c.19022G>C on transcript NM_182961.4 (MANE Select); coding-DNA position 19022, G replaced by C.
Protein change: p.Gly6341Ala; replaces glycine 6341 with alanine.
Molecular consequence: missense variant.
Genome position (GRCh38, 1-based): chr6:152,256,716, C>G on the plus strand (G>C on the coding strand, the complement: SYNE1 is on the minus strand). VCF-style: chr6-152256716-C-G. GRCh37 (hg19) VCF-style: chr6-152577851-C-G.
Other names: c.18809G>C, p.Gly6270Ala (NM_033071.5); short protein forms G6270A, G6341A.
Identifiers: ClinVar variation 595824 (VCV000595824.6), dbSNP rs769384397, ClinGen allele CA4054786.

ClinVar aggregate classification (germline): Uncertain significance. Review status: criteria provided, multiple submitters, no conflicts (2 of 4 stars). 2 submissions from 2 submitters: Uncertain significance (2). Last evaluated 2022-10-05.

Conditions:
Emery-Dreifuss muscular dystrophy 4, autosomal dominant (EDMD4). Also called: EMERY-DREIFUSS MUSCULAR DYSTROPHY 4 WITH VARIABLE FEATURES. Identifiers: Orphanet 261, MedGen C2751807, MONDO:0013071, OMIM 612998.
Autosomal recessive ataxia, Beauce type. Also called: SYNE1-Related Autosomal Recessive Cerebellar Ataxia; Spinocerebellar ataxia, autosomal recessive 8; ATAXIA, RECESSIVE, OF BEAUCE; SYNE1 Deficiency. Identifiers: Orphanet 88644, MedGen C1853116, MONDO:0012549, OMIM 610743.

Allele frequency attached by ClinVar (database versions not stated): gnomAD exomes 0.00001 and 0.00003; TOPMed 0.00002; ExAC 0.00003.
gnomAD v4.1: 8 of 1,614,068 alleles (0.0005%); highest among the groups gnomAD compares: Admixed American, 0.013%; no homozygotes.

Submissions (2):

Labcorp Genetics (formerly Invitae), Labcorp
Classification: Uncertain significance for Emery-Dreifuss muscular dystrophy 4, autosomal dominant; Autosomal recessive ataxia, Beauce type. Last evaluated: 2022-10-05. Review status: criteria provided, single submitter. Criteria: Invitae Variant Classification Sherloc (09022015). Collection method: clinical testing. Allele origin: germline.
Comment: This sequence change replaces glycine, which is neutral and non-polar, with alanine, which is neutral and non-polar, at codon 6270 of the SYNE1 protein (p.Gly6270Ala). This variant is present in population databases (rs769384397, gnomAD 0.02%). This variant has not been reported in the literature in individuals affected with SYNE1-related conditions. ClinVar contains an entry for this variant (Variation ID: 595824). Algorithms developed to predict the effect of missense changes on protein structure and function (SIFT, PolyPhen-2, Align-GVGD) all suggest that this variant is likely to be tolerated. In summary, the available evidence is currently insufficient to determine the role of this variant in disease. Therefore, it has been classified as a Variant of Uncertain Significance.

Eurofins Ntd Llc (ga)
Classification: Uncertain significance. Last evaluated: 2018-01-25. Review status: criteria provided, single submitter. Criteria: EGL Classification Definitions 2015. Collection method: clinical testing. Allele origin: germline. Observed: 1 variant allele, 1 heterozygote.